The following is an entry in ClinVar:

NM_005219.5(DIAPH1):c.3589G>T (p.Gly1197Cys)

Gene: DIAPH1 (diaphanous related formin 1; minus strand). Cytogenetic location: 5q31.3.
Variant type: single nucleotide variant.
Coding change: c.3589G>T on transcript NM_005219.5 (MANE Select); coding-DNA position 3589, G replaced by T.
Protein change: p.Gly1197Cys; replaces glycine 1197 with cysteine.
Molecular consequence: missense variant.
Genome position (GRCh38, 1-based): chr5:141,524,215, C>A on the plus strand (G>T on the coding strand, the complement: DIAPH1 is on the minus strand). VCF-style: chr5-141524215-C-A. GRCh37 (hg19) VCF-style: chr5-140903782-C-A.
Other names: c.3562G>T, p.Gly1188Cys (NM_001079812.3); c.3589G>T, p.Gly1197Cys (NM_001314007.2); short protein forms G1197C, G1188C.
Identifiers: ClinVar variation 2950677 (VCV002950677.3), dbSNP rs2513613108, ClinGen allele CA361575643.
Genomic context (GRCh38, chr5:141,524,215, plus strand): 5'-CTCTCTTCCGTCGGAATGCTGCCCCTGACTGCAGGGCTTCTAGAAGACTGTCCATCACAC[C>A]TGTCTCATCGCCCTCTGTTATAAAGAACAAGATGGAGATGTGAACTCTTCAGCCAGAGCA-3'
Protein context (NP_005210.3, residues 1187-1207): IDMNAEGDET[Gly1197Cys]VMDSLLEALQ

ClinVar aggregate classification (germline): Uncertain significance (1 of 4 stars; one submission).

Conditions:
Autosomal dominant nonsyndromic hearing loss 1. Also called: KONIGSMARK SYNDROME; DEAFNESS, AUTOSOMAL DOMINANT 1, WITH OR WITHOUT THROMBOCYTOPENIA. Identifiers: Orphanet 90635, MedGen C1852282, MONDO:0007424, OMIM 124900.
Progressive microcephaly-seizures-cortical blindness-developmental delay syndrome. Also called: Seizures, cortical blindness, and microcephaly syndrome. Identifiers: Orphanet 477814, MedGen C5567650, MONDO:0014714, OMIM 616632.

Submission:

Labcorp Genetics (formerly Invitae), Labcorp
Classification: Uncertain significance for Progressive microcephaly-seizures-cortical blindness-developmental delay syndrome; Autosomal dominant nonsyndromic hearing loss 1. Last evaluated: 2023-08-16. Review status: criteria provided, single submitter. Criteria: Invitae Variant Classification Sherloc (09022015). Collection method: clinical testing. Allele origin: germline.
Comment: This sequence change replaces glycine, which is neutral and non-polar, with cysteine, which is neutral and slightly polar, at codon 1197 of the DIAPH1 protein (p.Gly1197Cys). This variant is not present in population databases (gnomAD no frequency). This variant has not been reported in the literature in individuals affected with DIAPH1-related conditions. An algorithm developed to predict the effect of missense changes on protein structure and function (PolyPhen-2) suggests that this variant is likely to be disruptive. In summary, the available evidence is currently insufficient to determine the role of this variant in disease. Therefore, it has been classified as a Variant of Uncertain Significance.